The following is an entry in ClinVar:

NM_000807.4(GABRA2):c.527A>G (p.Asp176Gly)

Gene: GABRA2 (gamma-aminobutyric acid type A receptor subunit alpha2; minus strand). Cytogenetic location: 4p12.
Variant type: single nucleotide variant.
Coding change: c.527A>G on transcript NM_000807.4 (MANE Select); coding-DNA position 527, A replaced by G.
Protein change: p.Asp176Gly; replaces aspartic acid 176 with glycine.
Molecular consequence: missense variant.
Genome position (GRCh38, 1-based): chr4:46,310,205, T>C on the plus strand (A>G on the coding strand, the complement: GABRA2 is on the minus strand). VCF-style: chr4-46310205-T-C. GRCh37 (hg19) VCF-style: chr4-46312222-T-C.
Other names: c.527A>G, p.Asp176Gly (NM_001114175.3, NM_001330690.2, NM_001377144.1 and 8 more transcripts); c.362A>G, p.Asp121Gly (NM_001286827.3, NM_001377152.1, NM_001377153.1 and 1 more transcripts); short protein forms D121G, D176G.
Identifiers: ClinVar variation 3242039 (VCV003242039.1), dbSNP rs2475679467.

ClinVar aggregate classification (germline): Uncertain significance (1 of 4 stars; one submission).

Conditions:
Developmental and epileptic encephalopathy, 78. Also called: EPILEPTIC ENCEPHALOPATHY, EARLY INFANTILE, 78. Identifiers: MedGen C5231409, MONDO:0032812, OMIM 618557.

Allele frequency attached by ClinVar (database versions not stated): gnomAD exomes below 0.00001.
gnomAD v4.1: 1 of 1,613,660 alleles (0.000062%); highest among the groups gnomAD compares: Non-Finnish European, 0.000085%; no homozygotes.

Submission:

Neuberg Centre For Genomic Medicine, NCGM
Classification: Uncertain significance for Developmental and epileptic encephalopathy, 78. Review status: criteria provided, single submitter. Criteria: ACMG Guidelines, 2015. Collection method: clinical testing. Allele origin: germline. Inheritance: Autosomal dominant inheritance. Affected: yes.
Comment: The observed missense c.527A>G(p.Asp176Gly) variant in GABRA2 gene has not been reported previously as a pathogenic variant nor as a benign variant, to our knowledge. This variant is absent in gnomAD Exomes. The amino acid Asp at position 176 is changed to a Gly changing protein sequence and it might alter its composition and physico-chemical properties. The amino acid change p.Asp176Gly in GABRA2 is predicted as conserved by GERP++ and PhyloP across 100 vertebrates. The variant is predicted as damaging by SIFT. For these reasons, this variant has been classified as Uncertain Significance.